The following is an entry in ClinVar:

NM_014362.4(HIBCH):c.616G>A (p.Asp206Asn)

Gene: HIBCH (3-hydroxyisobutyryl-CoA hydrolase; minus strand). Cytogenetic location: 2q32.2.
Variant type: single nucleotide variant.
Coding change: c.616G>A on transcript NM_014362.4 (MANE Select); coding-DNA position 616, G replaced by A.
Protein change: p.Asp206Asn; replaces aspartic acid 206 with asparagine.
Molecular consequence: missense variant.
Genome position (GRCh38, 1-based): chr2:190,252,209, C>T on the plus strand (G>A on the coding strand, the complement: HIBCH is on the minus strand). VCF-style: chr2-190252209-C-T. GRCh37 (hg19) VCF-style: chr2-191116935-C-T.
Other names: c.616G>A, p.Asp206Asn (NM_198047.3); short protein forms D206N.
Identifiers: ClinVar variation 1998822 (VCV001998822.4), dbSNP rs2468735407, ClinGen allele CA349890406.

ClinVar aggregate classification (germline): Uncertain significance (1 of 4 stars; one submission).

Conditions:
3-hydroxyisobutyryl-CoA hydrolase deficiency. Also called: Reduced circulating 3-hydroxyisobutyryl-CoA hydrolase activity; Deficiency of 3-hydroxyisobutyryl CoA hydrolase; HIBCH DEFICIENCY; METHACRYLIC ACID TOXICITY; METHACRYLIC ACIDURIA; VALINE METABOLIC DEFECT. Identifiers: Orphanet 88639, MedGen C0342738, MONDO:0009603, OMIM 250620, HP:6000215.

Submission:

Labcorp Genetics (formerly Invitae), Labcorp
Classification: Uncertain significance for 3-hydroxyisobutyryl-CoA hydrolase deficiency. Last evaluated: 2022-06-09. Review status: criteria provided, single submitter. Criteria: Invitae Variant Classification Sherloc (09022015). Collection method: clinical testing. Allele origin: germline.
Comment: In summary, the available evidence is currently insufficient to determine the role of this variant in disease. Therefore, it has been classified as a Variant of Uncertain Significance. Algorithms developed to predict the effect of missense changes on protein structure and function are either unavailable or do not agree on the potential impact of this missense change (SIFT: "Deleterious"; PolyPhen-2: "Possibly Damaging"; Align-GVGD: "Class C15"). This variant has not been reported in the literature in individuals affected with HIBCH-related conditions. This variant is not present in population databases (gnomAD no frequency). This sequence change replaces aspartic acid, which is acidic and polar, with asparagine, which is neutral and polar, at codon 206 of the HIBCH protein (p.Asp206Asn).